The following is an entry in ClinVar:

ClinVar aggregate classification (germline): Uncertain significance (1 of 4 stars; one submission).

Conditions:
Familial cancer of breast. Also called: BREAST CANCER, FAMILIAL; Hereditary breast cancer; hereditary breast carcinoma. Identifiers: Orphanet 227535, MedGen C0346153, MONDO:0016419, OMIM 114480. Disease mechanism: loss of function.
Fanconi anemia complementation group J. Also called: BRIP1-Related Fanconi Anemia. Identifiers: Orphanet 84, MedGen C1836860, MONDO:0012187, OMIM 609054.

Submission:

Labcorp Genetics (formerly Invitae), Labcorp
Classification: Uncertain significance for Familial cancer of breast; Fanconi anemia complementation group J. Last evaluated: 2022-09-03. Review status: criteria provided, single submitter. Criteria: Invitae Variant Classification Sherloc (09022015). Collection method: clinical testing. Allele origin: germline.
Comment: In summary, the available evidence is currently insufficient to determine the role of this variant in disease. Therefore, it has been classified as a Variant of Uncertain Significance. Algorithms developed to predict the effect of missense changes on protein structure and function output the following: SIFT: "Tolerated"; PolyPhen-2: "Benign"; Align-GVGD: "Class C0". The aspartic acid amino acid residue is found in multiple mammalian species, which suggests that this missense change does not adversely affect protein function. This variant has not been reported in the literature in individuals affected with BRIP1-related conditions. This variant is not present in population databases (gnomAD no frequency). This sequence change replaces asparagine, which is neutral and polar, with aspartic acid, which is acidic and polar, at codon 1156 of the BRIP1 protein (p.Asn1156Asp).

NM_032043.3(BRIP1):c.3466A>G (p.Asn1156Asp)

Gene: BRIP1 (BRCA1 interacting DNA helicase 1; minus strand). Cytogenetic location: 17q23.2.
Variant type: single nucleotide variant.
Coding change: c.3466A>G on transcript NM_032043.3 (MANE Select); coding-DNA position 3466, A replaced by G.
Protein change: p.Asn1156Asp; replaces asparagine 1156 with aspartic acid.
Molecular consequence: missense variant.
Genome position (GRCh38, 1-based): chr17:61,683,580, T>C on the plus strand (A>G on the coding strand, the complement: BRIP1 is on the minus strand). VCF-style: chr17-61683580-T-C. GRCh37 (hg19) VCF-style: chr17-59760941-T-C.
Other names: short protein forms N1156D.
Identifiers: ClinVar variation 1718808 (VCV001718808.5), dbSNP rs2544555355, ClinGen allele CA400478664.